The following is an entry in ClinVar:

ClinVar aggregate classification (germline): Uncertain significance (1 of 4 stars; one submission).

Submission:

Labcorp Genetics (formerly Invitae), Labcorp
Classification: Uncertain significance. Last evaluated: 2024-01-22. Review status: criteria provided, single submitter. Criteria: Invitae Variant Classification Sherloc (09022015). Collection method: clinical testing. Allele origin: germline.
Comment: This sequence change replaces arginine, which is basic and polar, with leucine, which is neutral and non-polar, at codon 74 of the DGKZ protein (p.Arg74Leu). This variant is not present in population databases (gnomAD no frequency). This variant has not been reported in the literature in individuals affected with DGKZ-related conditions. An algorithm developed to predict the effect of missense changes on protein structure and function (PolyPhen-2) suggests that this variant is likely to be disruptive. In summary, the available evidence is currently insufficient to determine the role of this variant in disease. Therefore, it has been classified as a Variant of Uncertain Significance.

NM_001199267.2(DGKZ):c.162-814G>T

Gene: DGKZ (diacylglycerol kinase zeta; plus strand). Cytogenetic location: 11p11.2.
Variant type: single nucleotide variant.
Coding change: c.162-814G>T on transcript NM_001199267.2 (MANE Select); 814 bases into the intron before coding-DNA position 162, G replaced by T.
Molecular consequence: intron variant. On other transcripts: missense variant (1).
Genome position (GRCh38, 1-based): chr11:46,366,477, G>T. VCF-style: chr11-46366477-G-T. GRCh37 (hg19) VCF-style: chr11-46388027-G-T.
Other names: c.221G>T, p.Arg74Leu (NM_001105540.2); c.213-814G>T (NM_201532.3); c.177-814G>T (NM_201533.3); c.162-814G>T (NM_001199266.2, NM_003646.4, NM_001199268.2); short protein forms R74L.
Identifiers: ClinVar variation 2752536 (VCV002752536.3), dbSNP rs777788563, ClinGen allele CA380210680.